The following is an entry in ClinVar:

ClinVar aggregate classification (germline): Uncertain significance. Review status: criteria provided, multiple submitters, no conflicts (2 of 4 stars). 2 submissions from 2 submitters: Uncertain significance (2). Last evaluated 2024-06-28.

Conditions:
Inborn genetic diseases. Identifiers: MedGen C0950123, MeSH D030342.
Epilepsy. Also called: Seizure disorder. Identifiers: MedGen C0014544, MeSH D004827, MONDO:0005027.

gnomAD v4.1: 23 of 1,610,436 alleles (0.0014%); highest among the groups gnomAD compares: Non-Finnish European, 0.0019%; no homozygotes.

Submissions (2):

Ambry Genetics
Classification: Uncertain significance for Inborn genetic diseases. Last evaluated: 2024-06-28. Review status: criteria provided, single submitter. Criteria: Ambry Variant Classification Scheme 2023. Collection method: clinical testing. Allele origin: germline.

Labcorp Genetics (formerly Invitae), Labcorp
Classification: Uncertain significance for Epilepsy. Last evaluated: 2022-08-03. Review status: criteria provided, single submitter. Criteria: Invitae Variant Classification Sherloc (09022015). Collection method: clinical testing. Allele origin: germline.
Comment: The frequency data for this variant in the population databases is considered unreliable, as metrics indicate poor data quality at this position in the gnomAD database. In summary, the available evidence is currently insufficient to determine the role of this variant in disease. Therefore, it has been classified as a Variant of Uncertain Significance. Algorithms developed to predict the effect of missense changes on protein structure and function (SIFT, PolyPhen-2, Align-GVGD) all suggest that this variant is likely to be disruptive. ClinVar contains an entry for this variant (Variation ID: 863367). This variant has not been reported in the literature in individuals affected with PIGQ-related conditions. This sequence change replaces arginine, which is basic and polar, with leucine, which is neutral and non-polar, at codon 502 of the PIGQ protein (p.Arg502Leu).

NM_004204.5(PIGQ):c.1505G>T (p.Arg502Leu)

Gene: PIGQ (phosphatidylinositol glycan anchor biosynthesis class Q; plus strand). Cytogenetic location: 16p13.3.
Variant type: single nucleotide variant.
Coding change: c.1505G>T on transcript NM_004204.5 (MANE Select); coding-DNA position 1505, G replaced by T.
Protein change: p.Arg502Leu; replaces arginine 502 with leucine.
Molecular consequence: missense variant.
Genome position (GRCh38, 1-based): chr16:580,946, G>T. VCF-style: chr16-580946-G-T. GRCh37 (hg19) VCF-style: chr16-630946-G-T.
Other names: c.1505G>T, p.Arg502Leu (NM_148920.4); c.1505G>T (NM_148920.1); short protein forms R502L.
Identifiers: ClinVar variation 863367 (VCV000863367.6), dbSNP rs145602990, ClinGen allele CA7780323.